The following is an entry in ClinVar:

ClinVar aggregate classification (germline): Uncertain significance (1 of 4 stars; one submission).

Conditions:
Familial adenomatous polyposis 1 (FAP1). Also called: FAMILIAL ADENOMATOUS POLYPOSIS 1, ATTENUATED; POLYPOSIS, ADENOMATOUS INTESTINAL. Identifiers: MedGen C2713442, MONDO:0021056, OMIM 175100. Disease mechanism: loss of function.

Submission:

Labcorp Genetics (formerly Invitae), Labcorp
Classification: Uncertain significance for Familial adenomatous polyposis 1. Last evaluated: 2023-07-14. Review status: criteria provided, single submitter. Criteria: Invitae Variant Classification Sherloc (09022015). Collection method: clinical testing. Allele origin: germline.
Comment: In summary, the available evidence is currently insufficient to determine the role of this variant in disease. Therefore, it has been classified as a Variant of Uncertain Significance. Advanced modeling of protein sequence and biophysical properties (such as structural, functional, and spatial information, amino acid conservation, physicochemical variation, residue mobility, and thermodynamic stability) performed at Invitae indicates that this missense variant is not expected to disrupt APC protein function. This variant has not been reported in the literature in individuals affected with APC-related conditions. This variant is not present in population databases (gnomAD no frequency). This sequence change replaces glutamic acid, which is acidic and polar, with lysine, which is basic and polar, at codon 1538 of the APC protein (p.Glu1538Lys).

NM_000038.6(APC):c.4612G>A (p.Glu1538Lys)

Gene: APC (APC regulator of Wnt signaling pathway; plus strand). Cytogenetic location: 5q22.2.
Variant type: single nucleotide variant.
Coding change: c.4612G>A on transcript NM_000038.6 (MANE Select); coding-DNA position 4612, G replaced by A.
Protein change: p.Glu1538Lys; replaces glutamic acid 1538 with lysine.
Molecular consequence: missense variant. On other transcripts: non-coding transcript variant (2).
Genome position (GRCh38, 1-based): chr5:112,840,206, G>A. VCF-style: chr5-112840206-G-A. GRCh37 (hg19) VCF-style: chr5-112175903-G-A.
Other names: c.4612G>A, p.Glu1538Lys (NM_001127510.3, NM_001354895.2, NM_001407450.1); c.4558G>A, p.Glu1520Lys (NM_001127511.3); c.4666G>A, p.Glu1556Lys (NM_001354896.2, NM_001407447.1, NM_001407448.1 and 1 more transcripts); c.4642G>A, p.Glu1548Lys (NM_001354897.2); c.4537G>A, p.Glu1513Lys (NM_001354898.2); c.4528G>A, p.Glu1510Lys (NM_001354899.2); c.4489G>A, p.Glu1497Lys (NM_001354900.2); c.4435G>A, p.Glu1479Lys (NM_001354901.2, NM_001407453.1); and 11 more; short protein forms E1255K, E1409K, E1520K, E1528K, E1378K, E1497K, E1510K, E1538K.
Identifiers: ClinVar variation 2994916 (VCV002994916.3), dbSNP rs1554086003, ClinGen allele CA16031433.
Genomic context (GRCh38, chr5:112,840,206, plus strand): 5'-AAAGATGTGGAATTAAGAATAATGCCTCCAGTTCAGGAAAATGACAATGGGAATGAAACA[G>A]AATCAGAGCAGCCTAAAGAATCAAATGAAAACCAAGAGAAAGAGGCAGAAAAAACTATTG-3'
Protein context (NP_000029.2, residues 1528-1548): VQENDNGNET[Glu1538Lys]SEQPKESNEN